The following is an entry in ClinVar:

ClinVar aggregate classification (germline): Uncertain significance. Review status: criteria provided, multiple submitters, no conflicts (2 of 4 stars). 3 submissions from 3 submitters: Uncertain significance (3). Last evaluated 2022-03-15.

Conditions:
Cardiovascular phenotype. Identifiers: MedGen CN230736.
Hereditary cancer-predisposing syndrome. Also called: Hereditary neoplastic syndrome; Neoplastic Syndromes, Hereditary; Tumor predisposition; Hereditary Cancer Syndrome. Identifiers: Orphanet 140162, MedGen C0027672, MeSH D009386, MONDO:0015356.
Neurofibromatosis, type 1 (NF1). Also called: VON RECKLINGHAUSEN DISEASE; Peripheral type neurofibromatosis; NEUROFIBROMATOSIS, TYPE I, SOMATIC; Neurofibromatosis, type I. Identifiers: Orphanet 636, MedGen C0027831, MONDO:0018975, OMIM 162200. Disease mechanism: loss of function.

Submissions (3):

Genome-Nilou Lab
Classification: Uncertain significance for Neurofibromatosis, type 1. Last evaluated: 2022-03-15. Review status: criteria provided, single submitter. Criteria: ACMG Guidelines, 2015. Collection method: clinical testing. Allele origin: germline. Affected: no.

Ambry Genetics
Classification: Uncertain significance for Cardiovascular phenotype; Hereditary cancer-predisposing syndrome. Last evaluated: 2020-03-18. Review status: criteria provided, single submitter. Criteria: Ambry Variant Classification Scheme 2023. Collection method: clinical testing. Allele origin: germline.
Comment: The p.D2056V variant (also known as c.6167A>T), located in coding exon 41 of the NF1 gene, results from an A to T substitution at nucleotide position 6167. The aspartic acid at codon 2056 is replaced by valine, an amino acid with highly dissimilar properties. This amino acid position is highly conserved in available vertebrate species. In addition, the in silico prediction for this alteration is inconclusive. Since supporting evidence is limited at this time, the clinical significance of this alteration remains unclear.

Labcorp Genetics (formerly Invitae), Labcorp
Classification: Uncertain significance for Neurofibromatosis, type 1. Last evaluated: 2018-05-30. Review status: criteria provided, single submitter. Criteria: Invitae Variant Classification Sherloc (09022015). Collection method: clinical testing. Allele origin: germline.
Comment: In summary, the available evidence is currently insufficient to determine the role of this variant in disease. Therefore, it has been classified as a Variant of Uncertain Significance. Algorithms developed to predict the effect of missense changes on protein structure and function are either unavailable or do not agree on the potential impact of this missense change (SIFT: "Deleterious"; PolyPhen-2: "Probably Damaging"; Align-GVGD: "Class C0"). This variant has not been reported in the literature in individuals with NF1-related disease. ClinVar contains an entry for this variant (Variation ID: 480225). This variant is not present in population databases (ExAC no frequency). This sequence change replaces aspartic acid with valine at codon 2056 of the NF1 protein (p.Asp2056Val). The aspartic acid residue is moderately conserved and there is a large physicochemical difference between aspartic acid and valine.

NM_001042492.3(NF1):c.6230A>T (p.Asp2077Val)

Gene: NF1 (neurofibromin 1; plus strand). Cytogenetic location: 17q11.2.
Variant type: single nucleotide variant.
Coding change: c.6230A>T on transcript NM_001042492.3 (MANE Select); coding-DNA position 6230, A replaced by T.
Protein change: p.Asp2077Val; replaces aspartic acid 2077 with valine.
Molecular consequence: missense variant.
Genome position (GRCh38, 1-based): chr17:31,336,717, A>T. VCF-style: chr17-31336717-A-T. GRCh37 (hg19) VCF-style: chr17-29663735-A-T.
Other names: c.6167A>T, p.Asp2056Val (NM_000267.4); short protein forms D2056V, D2077V.
Identifiers: ClinVar variation 480225 (VCV000480225.11), dbSNP rs1555534684, ClinGen allele CA399012031.